The following is an entry in ClinVar:

NM_001330723.2(SNX27):c.1283T>A (p.Ile428Asn)

Gene: SNX27 (sorting nexin 27; plus strand). Cytogenetic location: 1q21.3.
Variant type: single nucleotide variant.
Coding change: c.1283T>A on transcript NM_001330723.2 (MANE Select); coding-DNA position 1283, T replaced by A.
Protein change: p.Ile428Asn; replaces isoleucine 428 with asparagine.
Molecular consequence: missense variant.
Genome position (GRCh38, 1-based): chr1:151,692,478, T>A. VCF-style: chr1-151692478-T-A. GRCh37 (hg19) VCF-style: chr1-151664954-T-A.
Other names: c.1283T>A, p.Ile428Asn (NM_030918.6); short protein forms I428N.
Identifiers: ClinVar variation 1020339 (VCV001020339.7), dbSNP rs374866696, ClinGen allele CA1093638.

ClinVar aggregate classification (germline): Uncertain significance (1 of 4 stars; one submission).

Conditions:
Severe myoclonic epilepsy in infancy (DRVT). Also called: Dravet syndrome; Epileptic encephalopathy, early infantile, 6 (Dravet syndrome); SEVERE MYOCLONIC EPILEPSY OF INFANCY; DEVELOPMENTAL AND EPILEPTIC ENCEPHALOPATHY 6A; Severe Myoclonic Epilepsy in Infancy (SMEI). Identifiers: Orphanet 33069, MedGen C0751122, MONDO:0100135, OMIM 607208.

Allele frequency attached by ClinVar (database versions not stated): ExAC 0.00001; gnomAD exomes 0.00001; TOPMed 0.00001; ESP Exome Variant Server 0.00008.

Submission:

Labcorp Genetics (formerly Invitae), Labcorp
Classification: Uncertain significance for Severe myoclonic epilepsy in infancy. Last evaluated: 2022-05-08. Review status: criteria provided, single submitter. Criteria: Invitae Variant Classification Sherloc (09022015). Collection method: clinical testing. Allele origin: germline.
Comment: Algorithms developed to predict the effect of missense changes on protein structure and function are either unavailable or do not agree on the potential impact of this missense change (SIFT: "Deleterious"; PolyPhen-2: "Benign"; Align-GVGD: "Class C0"). In summary, the available evidence is currently insufficient to determine the role of this variant in disease. Therefore, it has been classified as a Variant of Uncertain Significance. ClinVar contains an entry for this variant (Variation ID: 1020339). This sequence change replaces isoleucine, which is neutral and non-polar, with asparagine, which is neutral and polar, at codon 428 of the SNX27 protein (p.Ile428Asn). This variant is present in population databases (rs374866696, gnomAD 0.007%). This variant has not been reported in the literature in individuals affected with SNX27-related conditions.